The following is an entry in ClinVar:

ClinVar aggregate classification (germline): Likely benign. Review status: reviewed by expert panel (3 of 4 stars). 11 submissions from 11 submitters: Likely benign (1). 10 of the submissions do not count toward it. Last evaluated 2023-12-05.

Conditions:
Cardiovascular phenotype. Identifiers: MedGen CN230736.
Glycogen storage disease, type II (IOPD). Also called: CARDIOMEGALIA GLYCOGENICA DIFFUSA; GLYCOGENOSIS, GENERALIZED, CARDIAC FORM; GSD II; Pompe Disease; POMPE DISEASE, INFANTILE-ONSET; GLYCOGEN STORAGE DISEASE II, INFANTILE-ONSET. Identifiers: Orphanet 365, MedGen C0017921, MONDO:0009290, OMIM 232300.

Allele frequency attached by ClinVar (database versions not stated): gnomAD exomes 0.00016 and 0.00041; ExAC 0.00060; ESP Exome Variant Server 0.00131; gnomAD 0.00162 and 0.00170; TOPMed 0.00181; 1000 Genomes Project 0.00220; 1000 Genomes Project 30x 0.00234.
gnomAD v4.1: 487 of 1,612,894 alleles (0.03%); highest among the groups gnomAD compares: African/African-American, 0.51%; 3 homozygotes.

Submissions (11):

ClinGen Lysosomal Storage Disorder Variant Curation Expert Panel
Classification: Likely benign for Glycogen storage disease, type II. Last evaluated: 2023-12-05. Review status: reviewed by expert panel. Criteria: clingen_lsd_acmg_specifications_v2-1. Collection method: curation. Allele origin: germline. Inheritance: Autosomal recessive inheritance.
Comment: The NM_000152.5: c.258C>A (p.Pro86=) variant in GAA is a synonymous variant with a highest population minor allele frequency in gnomAD v4.0.0 of 0.00509 (382/75054 alleles) in the African/African American population, which is higher than the ClinGen Lysosomal Diseases (LD) VCEP’s threshold for BS1 (>0.005), meeting this criterion (BS1). The variant is not predicted to impact splicing; the nucleotide is not conserved (BP4, BP7). There is a ClinVar entry for this variant (Variation ID: 282138). In summary, this variant meets the criteria to be classified as likely benign for Pompe disease. GAA-specific ACMG/AMP criteria applied, as specified by the ClinGen Lysosomal Diseases VCEP (Specifications Version 2.0): BS1, BP4, BP7. (Classification approved by the ClinGen Lysosomal Diseases VCEP on December 5, 2023).

Genomenon, Inc
Classification: Likely benign for Glycogen storage disease, type II. Last evaluated: 2026-07-01. Review status: criteria provided, single submitter. Criteria: Genomenon Sequence Variant Interpretation Standards - Updated. Collection method: curation. Allele origin: germline. Affected: no. Not counted in ClinVar's aggregate classification.
Comment: GAA c.258C>A is a synonymous variant that retains Proline at codon 86. This variant has been reported in the published literature (PMID:40136631;33560568). This variant’s allele frequency in gnomAD is greater than expected for this disorder. This variant is not predicted to impact splicing. In conclusion, we classify GAA c.258C>A (p.Pro86=) as a likely benign variant.

Labcorp Genetics (formerly Invitae), Labcorp
Classification: Benign for Glycogen storage disease, type II. Last evaluated: 2026-02-02. Review status: criteria provided, single submitter. Criteria: Invitae Variant Classification Sherloc (09022015). Collection method: clinical testing. Allele origin: germline. Not counted in ClinVar's aggregate classification.

Blueprint Genetics
Classification: Likely benign. Last evaluated: 2024-09-25. Review status: criteria provided, single submitter. Criteria: ACMG Guidelines, 2015. Collection method: clinical testing. Allele origin: germline. Not counted in ClinVar's aggregate classification.

Ambry Genetics
Classification: Likely benign for Cardiovascular phenotype. Last evaluated: 2024-09-04. Review status: criteria provided, single submitter. Criteria: Ambry Variant Classification Scheme 2023. Collection method: clinical testing. Allele origin: germline. Not counted in ClinVar's aggregate classification.

Mayo Clinic Laboratories, Mayo Clinic
Classification: Likely benign. Last evaluated: 2024-03-07. Review status: criteria provided, single submitter. Criteria: ACMG Guidelines, 2015. Collection method: clinical testing. Allele origin: germline. Observed: 8 variant alleles. Not counted in ClinVar's aggregate classification.
Comment: BS1, BP4, BP7

CeGaT Center for Human Genetics Tuebingen
Classification: Likely benign. Last evaluated: 2024-03-01. Review status: criteria provided, single submitter. Criteria: CeGaT Center For Human Genetics Tuebingen Variant Classification Criteria Version 2. Collection method: clinical testing. Allele origin: germline. Affected: yes. Observed: 1 variant allele. Not counted in ClinVar's aggregate classification.
Comment: GAA: BP4, BP7

ARUP Laboratories, Molecular Genetics and Genomics, ARUP Laboratories
Classification: Benign for Glycogen storage disease, type II. Last evaluated: 2022-03-07. Review status: criteria provided, single submitter. Criteria: ARUP Molecular Germline Variant Investigation Process 2021. Collection method: clinical testing. Allele origin: germline. Not counted in ClinVar's aggregate classification.

GeneDx
Classification: Likely benign. Last evaluated: 2020-09-08. Review status: criteria provided, single submitter. Criteria: GeneDx Variant Classification Process June 2021. Collection method: clinical testing. Allele origin: germline. Affected: yes. Not counted in ClinVar's aggregate classification.

Women's Health and Genetics/Laboratory Corporation of America, LabCorp
Classification: Likely benign. Last evaluated: 2017-02-03. Review status: criteria provided, single submitter. Criteria: LabCorp Variant Classification Summary - May 2015. Collection method: clinical testing. Allele origin: germline. Not counted in ClinVar's aggregate classification.
Comment: Variant summary: The GAA c.258C>A (p.Pro86Pro) variant involves the alteration of a non-conserved nucleotide, resulting in a synonymous change. 5/5 splice prediction tools predict no significant impact on normal splicing. ESE finder predicts that this variant may affect binding of an ESE site. These predictions have yet to be confirmed by functional studies. This variant was found in 69/114570 control chromosomes from ExAC, predominantly observed in the African subpopulation at a frequency of 0.006696 (64/9558). This frequency is about 1.6 times the estimated maximal expected allele frequency of a pathogenic GAA variant (0.0042205), suggesting this is likely a benign polymorphism found primarily in the populations of African origin. No homozygotes have been reported in ExAC. The variant of interest has not, to our knowledge, been reported in affected individuals via publications. A clinical diagnostic laboratory in ClinVar has classified this variant as benign. Taken together, this variant is classified as Likely Benign.

Eurofins Ntd Llc (ga)
Classification: Benign. Last evaluated: 2015-07-21. Review status: criteria provided, single submitter. Criteria: EGL Classification Definitions 2015. Collection method: clinical testing. Allele origin: germline. Observed: 1 variant allele, 1 heterozygote. Not counted in ClinVar's aggregate classification.

Literature cited by the submitters: PubMed 40136631 (cited by Genomenon, Inc); PubMed 33560568 (cited by Genomenon, Inc and Mayo Clinic Laboratories, Mayo Clinic).

NM_000152.5(GAA):c.258C>A (p.Pro86=)

Gene: GAA (alpha glucosidase; plus strand). Cytogenetic location: 17q25.3.
Variant type: single nucleotide variant.
Coding change: c.258C>A on transcript NM_000152.5 (MANE Select); coding-DNA position 258, C replaced by A.
Protein change: p.Pro86=; no amino-acid change (proline 86 retained).
Molecular consequence: synonymous variant.
Genome position (GRCh38, 1-based): chr17:80,104,844, C>A. VCF-style: chr17-80104844-C-A. GRCh37 (hg19) VCF-style: chr17-78078643-C-A.
Other names: NM_000152.5(GAA):c.258C>A; p.Pro86=; c.258C>A (LRG_673t1); c.258C>A, p.Pro86= (NM_001079803.3, NM_001079804.3).
Identifiers: ClinVar variation 282138 (VCV000282138.51), dbSNP rs146615896, ClinGen allele CA8814829.